The following is an entry in ClinVar:

NM_000545.8(HNF1A):c.1235T>C (p.Met412Thr)

Gene: HNF1A (HNF1 homeobox A; plus strand). Cytogenetic location: 12q24.31.
Variant type: single nucleotide variant.
Coding change: c.1235T>C on transcript NM_000545.8 (MANE Select); coding-DNA position 1235, T replaced by C.
Protein change: p.Met412Thr; replaces methionine 412 with threonine.
Molecular consequence: missense variant.
Genome position (GRCh38, 1-based): chr12:120,996,668, T>C. VCF-style: chr12-120996668-T-C. GRCh37 (hg19) VCF-style: chr12-121434471-T-C.
Other names: c.1235T>C, p.Met412Thr (NM_001306179.2); short protein forms M412T.
Identifiers: ClinVar variation 972782 (VCV000972782.2), dbSNP rs747433197, ClinGen allele CA6831973.

ClinVar aggregate classification (germline): Uncertain significance (1 of 4 stars; one submission).

Conditions:
Maturity-onset diabetes of the young type 3. Also called: MODY type 3; MODY, type III. Identifiers: Orphanet 552, MedGen C1838100, MeSH C563933, MONDO:0010894, OMIM 600496. Disease mechanism: loss of function.

Allele frequency attached by ClinVar (database versions not stated): gnomAD exomes below 0.00001 and 0.00001; ExAC 0.00001.
gnomAD v4.1: 18 of 1,614,082 alleles (0.0011%); highest among the groups gnomAD compares: Non-Finnish European, 0.0015%; no homozygotes.

Submission:

Broad Center for Mendelian Genomics, Broad Institute of MIT and Harvard
Classification: Uncertain significance for Maturity-onset diabetes of the young type 3. Last evaluated: 2020-01-22. Review status: criteria provided, single submitter. Criteria: ACMG Guidelines, 2015. Collection method: curation. Allele origin: germline. Inheritance: Autosomal dominant inheritance.
Comment: The p.Met412Thr variant in HNF1A has been reported in 1 individual with MODY (PMID: 16917892), and has been identified in 0.0009% (1/113578) of European (non-Finnish) chromosomes by the Genome Aggregation Database (gnomAD; dbSNP rs747433197). Please note that for diseases with clinical variability, or reduced penetrance, pathogenic variants may be present at a low frequency in the general population. Computational prediction tools and conservation analyses suggest that this variant may impact the protein, though this information is not predictive enough to determine pathogenicity. In summary, while there is some suspicion for a pathogenic role, the clinical significance of this variant is uncertain. ACMG/AMP Criteria applied: PM2, PP3 (Richards 2015).